The following is an entry in ClinVar:

NM_003105.6(SORL1):c.1202C>A (p.Thr401Asn)

Gene: SORL1 (sortilin related receptor 1; plus strand). Cytogenetic location: 11q24.1.
Variant type: single nucleotide variant.
Coding change: c.1202C>A on transcript NM_003105.6 (MANE Select); coding-DNA position 1202, C replaced by A.
Protein change: p.Thr401Asn; replaces threonine 401 with asparagine.
Molecular consequence: missense variant.
Genome position (GRCh38, 1-based): chr11:121,514,312, C>A. VCF-style: chr11-121514312-C-A. GRCh37 (hg19) VCF-style: chr11-121385021-C-A.
Other names: short protein forms T401N.
Identifiers: ClinVar variation 1385139 (VCV001385139.6), dbSNP rs2134846736, ClinGen allele CA383022522.

ClinVar aggregate classification (germline): Uncertain significance (1 of 4 stars; one submission).

Allele frequency attached by ClinVar (database versions not stated): gnomAD exomes below 0.00001.
gnomAD v4.1: 1 of 1,613,488 alleles (0.000062%); highest among the groups gnomAD compares: Non-Finnish European, 0.000085%; no homozygotes.

Submission:

Labcorp Genetics (formerly Invitae), Labcorp
Classification: Uncertain significance. Last evaluated: 2021-10-07. Review status: criteria provided, single submitter. Criteria: Invitae Variant Classification Sherloc (09022015). Collection method: clinical testing. Allele origin: germline.
Comment: This variant has not been reported in the literature in individuals affected with SORL1-related conditions. This sequence change replaces threonine with asparagine at codon 401 of the SORL1 protein (p.Thr401Asn). The threonine residue is highly conserved and there is a small physicochemical difference between threonine and asparagine. This variant is not present in population databases (ExAC no frequency). Algorithms developed to predict the effect of missense changes on protein structure and function are either unavailable or do not agree on the potential impact of this missense change (SIFT: "Deleterious"; PolyPhen-2: "Probably Damaging"; Align-GVGD: "Class C0"). In summary, the available evidence is currently insufficient to determine the role of this variant in disease. Therefore, it has been classified as a Variant of Uncertain Significance.